The following is an entry in ClinVar:

NM_007357.3(COG2):c.722G>A (p.Arg241Gln)

Gene: COG2 (component of oligomeric golgi complex 2; plus strand). Cytogenetic location: 1q42.2.
Variant type: single nucleotide variant.
Coding change: c.722G>A on transcript NM_007357.3 (MANE Select); coding-DNA position 722, G replaced by A.
Protein change: p.Arg241Gln; replaces arginine 241 with glutamine.
Molecular consequence: missense variant.
Genome position (GRCh38, 1-based): chr1:230,669,483, G>A. VCF-style: chr1-230669483-G-A. GRCh37 (hg19) VCF-style: chr1-230805229-G-A.
Other names: c.722G>A, p.Arg241Gln (NM_001145036.2); short protein forms R241Q.
Identifiers: ClinVar variation 1362595 (VCV001362595.9), dbSNP rs565186449, ClinGen allele CA1447514.
Genomic context (GRCh38, chr1:230,669,483, plus strand): 5'-CGTCTGACGTCGATATAATACGGCACTGCTTGCGGACTTACGCCACGATTGACAAGACAC[G>A]GGACGCGGAGGCCTTAGTTGGCCAAGTACTAGTGAAACCATACATAGACGAGGTCTGTGT-3'
Protein context (NP_031383.1, residues 231-251): LRTYATIDKT[Arg241Gln]DAEALVGQVL

ClinVar aggregate classification (germline): Uncertain significance. Review status: criteria provided, multiple submitters, no conflicts (2 of 4 stars). 2 submissions from 2 submitters: Uncertain significance (2). Last evaluated 2025-09-10.

Conditions:
Congenital disorder of glycosylation, type IIq. Also called: CDG IIq. Identifiers: Orphanet 435934, MedGen C4479353, MONDO:0054559, OMIM 617395.

Allele frequency attached by ClinVar (database versions not stated): gnomAD exomes 0.00002 and 0.00009; gnomAD 0.00006 and 0.00007; TOPMed 0.00006; ExAC 0.00012; 1000 Genomes Project 30x 0.00031; 1000 Genomes Project 0.00040.

Submissions (2):

Genomic Medicine Center of Excellence, King Faisal Specialist Hospital and Research Centre
Classification: Uncertain significance for Congenital disorder of glycosylation, type IIq. Last evaluated: 2025-09-10. Review status: criteria provided, single submitter. Criteria: ACMG Guidelines, 2015. Collection method: clinical testing. Allele origin: germline.

Labcorp Genetics (formerly Invitae), Labcorp
Classification: Uncertain significance for Congenital disorder of glycosylation, type IIq. Last evaluated: 2024-11-05. Review status: criteria provided, single submitter. Criteria: Invitae Variant Classification Sherloc (09022015). Collection method: clinical testing. Allele origin: germline.
Comment: This sequence change replaces arginine, which is basic and polar, with glutamine, which is neutral and polar, at codon 241 of the COG2 protein (p.Arg241Gln). This variant is present in population databases (rs565186449, gnomAD 0.06%). This variant has not been reported in the literature in individuals affected with COG2-related conditions. ClinVar contains an entry for this variant (Variation ID: 1362595). Invitae Evidence Modeling of protein sequence and biophysical properties (such as structural, functional, and spatial information, amino acid conservation, physicochemical variation, residue mobility, and thermodynamic stability) has been performed for this missense variant. However, the output from this modeling did not meet the statistical confidence thresholds required to predict the impact of this variant on COG2 protein function. In summary, the available evidence is currently insufficient to determine the role of this variant in disease. Therefore, it has been classified as a Variant of Uncertain Significance.